The following is an entry in ClinVar:

ClinVar aggregate classification (germline): not provided (0 of 4 stars; one submission).

Conditions:
Normal pregnancy. Identifiers: MedGen C0232989.

Submission:

Institute of Molecular and Cell Biology, University of Tartu
No classification provided. Condition: Normal pregnancy. Review status: no classification provided. Collection method: case-control. Allele origin: unknown. Affected: yes. Study: Kasak2014.
Comment: The study aimed to determine the contribution of copy number variants in the genetic etiology of normal and complicated pregnancies. The samples represented (i) maternal blood DNA drawn from healthy pregnant women during 1st or 2nd trimester and (ii) maternal and paternal blood DNA drawn at term pregnancy cases representing normal and complicated gestations (severe preeclampsia, PE; gestational diabetes, GD; small-for-gestational age newborn, SGA; large-for-gestational age newborn, LGA). We performed CNV calling based on genome-wide genotyping dataset (Illumina HumanOmniExpress-24-v1 BeadChip) by applying three algorithms, QuantiSNP, GADA (Genome Alteration Detection Algorithm) and CNstream in parallel. The acquired CNV calls were merged with HD-CNV (Hotspot Detector for Copy Number Variants) program and only the CNVs predicted by at least two programs, were considered in subsequent analysis.

Literature cited by the submitters: PubMed 25666259.

NC_000021.9:g.20543803_20546102del

Gene: LOC129391229 (MPRA-validated peak4373 silencer; plus strand). Cytogenetic location: 21q21.1.
Variant type: Deletion.
Genome position: GRCh38: chr21:20,543,803-20,546,102. GRCh37 (hg19): chr21:21,916,116-21,918,415.
Identifiers: ClinVar variation 157468 (VCV000157468.3), ClinGen allele CA212503.